The following is an entry in ClinVar:

NM_001161352.2(KCNMA1):c.2527G>A (p.Val843Met)

Genes: KCNMA1 (potassium calcium-activated channel subfamily M alpha 1; minus strand), KCNMA1-AS1 (KCNMA1 antisense RNA 1; plus strand). Cytogenetic location: 10q22.3.
Variant type: single nucleotide variant.
Coding change: c.2527G>A on transcript NM_001161352.2 (MANE Select); coding-DNA position 2527, G replaced by A.
Protein change: p.Val843Met; replaces valine 843 with methionine.
Molecular consequence: missense variant.
Genome position (GRCh38, 1-based): chr10:76,949,324, C>T on the plus strand (G>A on the coding strand, the complement: KCNMA1 is on the minus strand). VCF-style: chr10-76949324-C-T. GRCh37 (hg19) VCF-style: chr10-78709082-C-T.
Other names: c.2365G>A, p.Val789Met (NM_001014797.3, NM_001322835.2, NM_001322837.2); c.2476G>A, p.Val826Met (NM_001161353.2); c.2203G>A, p.Val735Met (NM_001271518.2); c.2353G>A (NM_002247.3); c.2362G>A, p.Val788Met (NM_001271519.2, NM_001322829.2, NM_001322836.2); c.2374G>A, p.Val792Met (NM_001322830.2); c.2353G>A, p.Val785Met (NM_001322832.2, NM_002247.4); c.1900G>A, p.Val634Met (NM_001322838.2); short protein forms V634M, V735M, V785M, V788M, V789M, V792M, V826M, V843M.
Identifiers: ClinVar variation 1297508 (VCV001297508.4), dbSNP rs751748880, ClinGen allele CA5568044.

ClinVar aggregate classification (germline): Uncertain significance. Review status: criteria provided, single submitter (1 of 4 stars). 3 submissions from 3 submitters: Uncertain significance (1). 2 of the submissions do not count toward it. Last evaluated 2025-02-21.

Conditions:
KCNMA1-related disorder. Also called: KCNMA1-related condition; KCNMA1-related disorders.

Allele frequency attached by ClinVar (database versions not stated): gnomAD exomes 0.00001 and below 0.00001; ExAC 0.00002.
gnomAD v4.1: 5 of 1,614,116 alleles (0.00031%); highest among the groups gnomAD compares: Non-Finnish European, 0.00042%; no homozygotes.

Submissions (3):

PreventionGenetics, part of Exact Sciences
Classification: Uncertain significance for KCNMA1-related condition. Last evaluated: 2025-02-21. Review status: criteria provided, single submitter. Criteria: ACMG Guidelines, 2015. Collection method: clinical testing. Allele origin: germline.
Comment: The KCNMA1 c.2353G>A variant is predicted to result in the amino acid substitution p.Val785Met. To our knowledge, this variant has not been reported in the literature. This variant is reported in 0.0018% of alleles in individuals of European (Non-Finnish) descent in gnomAD. At this time, the clinical significance of this variant is uncertain due to the absence of conclusive functional and genetic evidence.

Diagnostic Laboratory, Department of Genetics, University Medical Center Groningen
Classification: Uncertain significance. Review status: no assertion criteria provided. Collection method: clinical testing. Allele origin: germline. Affected: yes. Study: VKGL Data-share Consensus. Not counted in ClinVar's aggregate classification.

Joint Genome Diagnostic Labs from Nijmegen and Maastricht, Radboudumc and MUMC+
Classification: Uncertain significance. Review status: no assertion criteria provided. Collection method: clinical testing. Allele origin: germline. Affected: yes. Study: VKGL Data-share Consensus. Not counted in ClinVar's aggregate classification.